The following is an entry in ClinVar:

NM_000202.8(IDS):c.412C>G (p.His138Asp)

Gene: IDS (iduronate 2-sulfatase; minus strand). Cytogenetic location: Xq28.
Variant type: single nucleotide variant.
Coding change: c.412C>G on transcript NM_000202.8 (MANE Select); coding-DNA position 412, C replaced by G.
Protein change: p.His138Asp; replaces histidine 138 with aspartic acid.
Molecular consequence: missense variant. On other transcripts: non-coding transcript variant (1).
Genome position (GRCh38, 1-based): chrX:149,503,318, G>C on the plus strand (C>G on the coding strand, the complement: IDS is on the minus strand). VCF-style: chrX-149503318-G-C. GRCh37 (hg19) VCF-style: chrX-148584848-G-C.
Other names: c.142C>G, p.His48Asp (NM_001166550.4); c.412C>G, p.His138Asp (NM_006123.5); short protein forms H138D, H48D.
Identifiers: ClinVar variation 3255705 (VCV003255705.2).
Genomic context (GRCh38, chrX:149,503,318, plus strand): 5'-TGGATTCAGACACCACAAACCAAGAGAACCCAGACTCTGGACATGGAGCAGTACCAGGGT[G>C]AAAGACTTTTCCCACCGACATGGTCACATAGCCATTCTCCTTGAAGTACTGGGGGATGGT-3'
Protein context (NP_000193.1, residues 128-148): YVTMSVGKVF[His138Asp]PGISSNHTDD

ClinVar aggregate classification (germline): Pathogenic (1 of 4 stars; one submission).

Conditions:
Mucopolysaccharidosis, MPS-II (MPS2). Also called: Hunter Syndrome; IDURONATE 2-SULFATASE DEFICIENCY; Mucopolysaccharidosis Type II; Mucopolysaccharidosis type 2; Attenuated MPS (subtype; formerly known as mild MPS II); Severe MPS II. Identifiers: Orphanet 580, Orphanet 79388, MedGen C0026705, MONDO:0010674, OMIM 309900.

Submission:

Laboratory of Diagnosis and Therapy of Lysosomal Disorders, University of Padova
Classification: Pathogenic for Mucopolysaccharidosis, MPS-II. Last evaluated: 2024-06-07. Review status: criteria provided, single submitter. Criteria: ACMG Guidelines, 2015. Collection method: literature only. Allele origin: germline. Affected: yes. Observed: 1 variant allele.
Comment: Located in a mutational hot spot and/or critical functional domain (PM1_Moderate), Absent from controls (or at low frequency) in gnomAD database (PM2_Moderate), Missense variant in a gene with a low rate of benign missense variation (PP2_Supporting), Multiple lines of computational evidence support a deleterious effect (PP3_Supporting), Patient’s phenotype or family history highly specific for the disease (PP4_Strong)

Classification method: ACMG Guidelines [PMID:25741868] with modifications

Literature cited by the submitters: PubMed 9660053.